The following is an entry in ClinVar:

NM_000112.4(SLC26A2):c.987T>C (p.Leu329=)

Gene: SLC26A2 (solute carrier family 26 member 2; plus strand). Cytogenetic location: 5q32.
Variant type: single nucleotide variant.
Coding change: c.987T>C on transcript NM_000112.4 (MANE Select); coding-DNA position 987, T replaced by C.
Protein change: p.Leu329=; no amino-acid change (leucine 329 retained).
Molecular consequence: synonymous variant.
Genome position (GRCh38, 1-based): chr5:149,980,580, T>C. VCF-style: chr5-149980580-T-C. GRCh37 (hg19) VCF-style: chr5-149360143-T-C.
Identifiers: ClinVar variation 196211 (VCV000196211.70), dbSNP rs116302615, ClinGen allele CA243097.

ClinVar aggregate classification (germline): Conflicting classifications of pathogenicity. Review status: criteria provided, conflicting classifications (1 of 4 stars). 17 submissions from 10 submitters: Uncertain significance (2); Benign (2); Likely benign (12). 1 of the submissions does not count toward it. Last evaluated 2026-01-31.

Conditions:
Connective tissue disorder. Also called: Connective tissue disease. Identifiers: MedGen C0009782, MONDO:0003900.
Diastrophic dysplasia (DTD). Also called: Diastrophic dwarfism. Identifiers: Orphanet 628, MedGen C0220726, MONDO:0009107, OMIM 222600.
Achondrogenesis, type IB (ACG1B). Also called: Achondrogenesis Type 1B. Identifiers: Orphanet 932, Orphanet 93298, MedGen C0265274, MONDO:0010966, OMIM 600972.
Multiple epiphyseal dysplasia type 4 (EDM4). Also called: Multiple Epiphyseal Dysplasia, Recessive; MULTIPLE EPIPHYSEAL DYSPLASIA WITH BILAYERED PATELLAE; MULTIPLE EPIPHYSEAL DYSPLASIA WITH CLUBFOOT; MULTIPLE EPIPHYSEAL DYSPLASIA, AUTOSOMAL RECESSIVE; SLC26A2-Related Multiple Epiphyseal Dysplasia. Identifiers: Orphanet 93307, MedGen C1847593, MONDO:0009189, OMIM 226900.
Atelosteogenesis type II (AO2). Also called: Neonatal osseous dysplasia 1; NEONATAL OSSEOUS DYSPLASIA I; SLC26A2-Related Atelosteogenesis. Identifiers: Orphanet 56304, MedGen C1850554, MONDO:0009727, OMIM 256050.
Sulfate transporter-related osteochondrodysplasia. Also called: DTDST-related dysplasias. Identifiers: MedGen CN120497. Disease mechanism: loss of function.

Allele frequency attached by ClinVar (database versions not stated): 1000 Genomes Project 0.00060; 1000 Genomes Project 30x 0.00062; gnomAD 0.00235 and 0.00246; TOPMed 0.00246; gnomAD exomes 0.00257; ESP Exome Variant Server 0.00300.
gnomAD v4.1: 5,388 of 1,614,184 alleles (0.33%); highest among the groups gnomAD compares: Non-Finnish European, 0.4%; 19 homozygotes.

Submissions (17):

Labcorp Genetics (formerly Invitae), Labcorp
Classification: Benign for Atelosteogenesis type II; Multiple epiphyseal dysplasia type 4; Achondrogenesis, type IB; Diastrophic dysplasia. Last evaluated: 2026-01-31. Review status: criteria provided, single submitter. Criteria: Invitae Variant Classification Sherloc (09022015). Collection method: clinical testing. Allele origin: germline.

CeGaT Center for Human Genetics Tuebingen
Classification: Likely benign. Last evaluated: 2025-12-01. Review status: criteria provided, single submitter. Criteria: CeGaT Center For Human Genetics Tuebingen Variant Classification Criteria Version 2. Collection method: clinical testing. Allele origin: germline. Affected: yes. Observed: 6 variant alleles.
Comment: SLC26A2: BP4, BP7, BS2

Blueprint Genetics
Classification: Likely benign. Last evaluated: 2024-11-25. Review status: criteria provided, single submitter. Criteria: ACMG Guidelines, 2015. Collection method: clinical testing. Allele origin: germline.

ARUP Laboratories, Molecular Genetics and Genomics, ARUP Laboratories
Classification: Benign. Last evaluated: 2023-10-23. Review status: criteria provided, single submitter. Criteria: ARUP Molecular Germline Variant Investigation Process 2024. Collection method: clinical testing. Allele origin: germline.

Genome-Nilou Lab
Classification: Likely benign for Achondrogenesis, type IB. Last evaluated: 2021-07-22. Review status: criteria provided, single submitter. Criteria: ACMG Guidelines, 2015. Collection method: clinical testing. Allele origin: germline. Affected: no.

Genome-Nilou Lab
Classification: Likely benign for Atelosteogenesis type II. Last evaluated: 2021-07-22. Review status: criteria provided, single submitter. Criteria: ACMG Guidelines, 2015. Collection method: clinical testing. Allele origin: germline. Affected: no.

Genome-Nilou Lab
Classification: Likely benign for Diastrophic dysplasia. Last evaluated: 2021-07-22. Review status: criteria provided, single submitter. Criteria: ACMG Guidelines, 2015. Collection method: clinical testing. Allele origin: germline. Affected: no.

Genome-Nilou Lab
Classification: Likely benign for Multiple epiphyseal dysplasia type 4. Last evaluated: 2021-07-22. Review status: criteria provided, single submitter. Criteria: ACMG Guidelines, 2015. Collection method: clinical testing. Allele origin: germline. Affected: no.

GeneDx
Classification: Likely benign. Last evaluated: 2021-05-14. Review status: criteria provided, single submitter. Criteria: GeneDx Variant Classification Process June 2021. Collection method: clinical testing. Allele origin: germline. Affected: yes.

Genome Diagnostics Laboratory, The Hospital for Sick Children
Classification: Likely benign for Connective tissue disorder. Last evaluated: 2019-03-01. Review status: criteria provided, single submitter. Criteria: ACMG Guidelines, 2015. Collection method: clinical testing. Allele origin: germline.

Illumina Laboratory Services, Illumina
Classification: Likely benign for Atelosteogenesis type II. Last evaluated: 2018-01-12. Review status: criteria provided, single submitter. Criteria: ICSL Variant Classification Criteria 13 December 2019. Collection method: clinical testing. Allele origin: germline.
Comment: This variant was observed in the ICSL laboratory as part of a predisposition screen in an ostensibly healthy population. It had not been previously curated by ICSL or reported in the Human Gene Mutation Database (HGMD: prior to June 1st, 2018), and was therefore a candidate for classification through an automated scoring system. Utilizing variant allele frequency, disease prevalence and penetrance estimates, and inheritance mode, an automated score was calculated to assess if this variant is too frequent to cause the disease. Based on the score and internal cut-off values, a variant classified as likely benign is not then subjected to further curation. The score for this variant resulted in a classification of likely benign for this disease.

Illumina Laboratory Services, Illumina
Classification: Likely benign for Diastrophic dysplasia. Last evaluated: 2018-01-12. Review status: criteria provided, single submitter. Criteria: ICSL Variant Classification Criteria 13 December 2019. Collection method: clinical testing. Allele origin: germline.
Comment: the same text as in the submission from Illumina Laboratory Services, Illumina above.

Illumina Laboratory Services, Illumina
Classification: Likely benign for Achondrogenesis, type IB. Last evaluated: 2018-01-12. Review status: criteria provided, single submitter. Criteria: ICSL Variant Classification Criteria 13 December 2019. Collection method: clinical testing. Allele origin: germline.
Comment: the same text as in the submission from Illumina Laboratory Services, Illumina above.

Illumina Laboratory Services, Illumina
Classification: Uncertain significance for Osteochondrodysplasia. Last evaluated: 2018-01-12. Review status: criteria provided, single submitter. Criteria: ICSL Variant Classification Criteria 13 December 2019. Collection method: clinical testing. Allele origin: germline.

Illumina Laboratory Services, Illumina
Classification: Uncertain significance for Multiple epiphyseal dysplasia type 4. Last evaluated: 2018-01-12. Review status: criteria provided, single submitter. Criteria: ICSL Variant Classification Criteria 13 December 2019. Collection method: clinical testing. Allele origin: germline.

Eurofins Ntd Llc (ga)
Classification: Likely benign. Last evaluated: 2016-05-24. Review status: criteria provided, single submitter. Criteria: EGL Classification Definitions 2015. Collection method: clinical testing. Allele origin: germline. Observed: 3 variant alleles, 3 heterozygotes.

Natera, Inc.
Classification: Likely benign for Achondrogenesis type IB. Last evaluated: 2019-11-11. Review status: no assertion criteria provided. Collection method: clinical testing. Allele origin: germline. Not counted in ClinVar's aggregate classification.